The following is an entry in ClinVar:

ClinVar aggregate classification (germline): Uncertain significance (1 of 4 stars; one submission).

Allele frequency attached by ClinVar (database versions not stated): gnomAD exomes 0.00001; TOPMed 0.00003; gnomAD 0.00004.
gnomAD v4.1: 22 of 1,558,262 alleles (0.0014%); highest among the groups gnomAD compares: African/African-American, 0.0081%; no homozygotes.

Submission:

Labcorp Genetics (formerly Invitae), Labcorp
Classification: Uncertain significance. Last evaluated: 2022-11-10. Review status: criteria provided, single submitter. Criteria: Invitae Variant Classification Sherloc (09022015). Collection method: clinical testing. Allele origin: germline.
Comment: This sequence change falls in intron 36 of the CACNA2D4 gene. It does not directly change the encoded amino acid sequence of the CACNA2D4 protein. This variant is present in population databases (rs755428584, gnomAD 0.01%). This variant has not been reported in the literature in individuals affected with CACNA2D4-related conditions. Algorithms developed to predict the effect of sequence changes on RNA splicing suggest that this variant may disrupt the consensus splice site. In summary, the available evidence is currently insufficient to determine the role of this variant in disease. Therefore, it has been classified as a Variant of Uncertain Significance.

NM_172364.5(CACNA2D4):c.3226+11A>G

Gene: CACNA2D4 (calcium voltage-gated channel auxiliary subunit alpha2delta 4; minus strand). Cytogenetic location: 12p13.33.
Variant type: single nucleotide variant.
Coding change: c.3226+11A>G on transcript NM_172364.5 (MANE Select); 11 bases into the intron after coding-DNA position 3226, A replaced by G.
Molecular consequence: intron variant.
Genome position (GRCh38, 1-based): chr12:1,795,657, T>C on the plus strand (A>G on the coding strand, the complement: CACNA2D4 is on the minus strand). VCF-style: chr12-1795657-T-C. GRCh37 (hg19) VCF-style: chr12-1904823-T-C.
Identifiers: ClinVar variation 2969159 (VCV002969159.3), dbSNP rs755428584, ClinGen allele CA231518983.